The following is an entry in ClinVar:

NM_001164508.2(NEB):c.3721G>T (p.Val1241Leu)

Gene: NEB (nebulin; minus strand). Cytogenetic location: 2q23.3.
Variant type: single nucleotide variant.
Coding change: c.3721G>T on transcript NM_001164508.2 (MANE Select); coding-DNA position 3721, G replaced by T.
Protein change: p.Val1241Leu; replaces valine 1241 with leucine.
Molecular consequence: missense variant.
Genome position (GRCh38, 1-based): chr2:151,677,618, C>A on the plus strand (G>T on the coding strand, the complement: NEB is on the minus strand). VCF-style: chr2-151677618-C-A. GRCh37 (hg19) VCF-style: chr2-152534132-C-A.
Other names: c.3721G>T, p.Val1241Leu (NM_001164507.2, NM_001271208.2, NM_004543.5); c.3721G>T (NM_004543.4); short protein forms V1241L.
Identifiers: ClinVar variation 196899 (VCV000196899.16), dbSNP rs537769519, ClinGen allele CA244689.

ClinVar aggregate classification (germline): Conflicting classifications of pathogenicity. Review status: criteria provided, conflicting classifications (1 of 4 stars). 5 submissions from 5 submitters: Uncertain significance (3); Likely benign (1). 1 of the submissions does not count toward it. Last evaluated 2024-08-15.

Conditions:
Nemaline myopathy 2 (NEM2). Also called: Nemaline myopathy 2, autosomal recessive. Identifiers: MedGen C1850569, MONDO:0009725, OMIM 256030.
Inborn genetic diseases. Identifiers: MedGen C0950123, MeSH D030342.

Allele frequency attached by ClinVar (database versions not stated): gnomAD 0.00001; TOPMed 0.00001; gnomAD exomes 0.00002; ExAC 0.00001.
gnomAD v4.1: 22 of 1,613,984 alleles (0.0014%); highest among the groups gnomAD compares: Admixed American, 0.015%; no homozygotes.

Submissions (5):

Labcorp Genetics (formerly Invitae), Labcorp
Classification: Likely benign for Nemaline myopathy 2. Last evaluated: 2024-08-15. Review status: criteria provided, single submitter. Criteria: Invitae Variant Classification Sherloc (09022015). Collection method: clinical testing. Allele origin: germline.

GeneDx
Classification: Uncertain significance. Last evaluated: 2024-08-07. Review status: criteria provided, single submitter. Criteria: GeneDx Variant Classification Process June 2021. Collection method: clinical testing. Allele origin: germline. Affected: yes.
Comment: Not observed at significant frequency in large population cohorts (gnomAD); In silico analysis indicates that this missense variant does not alter protein structure/function; Has not been previously published as pathogenic or benign to our knowledge

Ambry Genetics
Classification: Uncertain significance for Inborn genetic diseases. Last evaluated: 2022-07-27. Review status: criteria provided, single submitter. Criteria: Ambry Variant Classification Scheme 2023. Collection method: clinical testing. Allele origin: germline.

Eurofins Ntd Llc (ga)
Classification: Uncertain significance. Last evaluated: 2014-10-28. Review status: criteria provided, single submitter. Criteria: EGL Classification Definitions 2015. Collection method: clinical testing. Allele origin: germline. Observed: 1 variant allele, 1 heterozygote.

Natera, Inc.
Classification: Uncertain significance for Nemaline myopathy type 2. Last evaluated: 2019-11-11. Review status: no assertion criteria provided. Collection method: clinical testing. Allele origin: germline. Not counted in ClinVar's aggregate classification.